The following is an entry in ClinVar:

NM_001375524.1(TRRAP):c.9265A>C (p.Met3089Leu)

Gene: TRRAP (transformation/transcription domain associated protein; plus strand). Cytogenetic location: 7q22.1.
Variant type: single nucleotide variant.
Coding change: c.9265A>C on transcript NM_001375524.1 (MANE Select); coding-DNA position 9265, A replaced by C.
Protein change: p.Met3089Leu; replaces methionine 3089 with leucine.
Molecular consequence: missense variant.
Genome position (GRCh38, 1-based): chr7:98,984,335, A>C. VCF-style: chr7-98984335-A-C. GRCh37 (hg19) VCF-style: chr7-98581958-A-C.
Other names: c.9190A>C, p.Met3064Leu (NM_003496.4); c.9277A>C, p.Met3093Leu (NM_001244580.2); short protein forms M3064L, M3089L, M3093L.
Identifiers: ClinVar variation 2502138 (VCV002502138.2), dbSNP rs1793060029, ClinGen allele CA368317553.

ClinVar aggregate classification (germline): Uncertain significance (1 of 4 stars; one submission).

Allele frequency attached by ClinVar (database versions not stated): TOPMed 0.00001; gnomAD 0.00001.
gnomAD v4.1: 2 of 1,591,982 alleles (0.00013%); highest among the groups gnomAD compares: African/African-American, 0.0027%; no homozygotes.

Submission:

GeneDx
Classification: Uncertain significance. Last evaluated: 2025-05-09. Review status: criteria provided, single submitter. Criteria: GeneDx Variant Classification Process June 2021. Collection method: clinical testing. Allele origin: germline.
Comment: Not observed at significant frequency in large population cohorts (gnomAD); In silico analysis suggests that this missense variant does not alter protein structure/function; Has not been previously published as pathogenic or benign to our knowledge